The following is an entry in ClinVar:

ClinVar aggregate classification (germline): Likely pathogenic (1 of 4 stars; one submission).

Conditions:
Hereditary cancer-predisposing syndrome. Also called: Neoplastic Syndromes, Hereditary; Tumor predisposition; Hereditary Cancer Syndrome; Hereditary neoplastic syndrome. Identifiers: Orphanet 140162, MedGen C0027672, MeSH D009386, MONDO:0015356.

Submission:

Ambry Genetics
Classification: Likely pathogenic for Hereditary cancer-predisposing syndrome. Last evaluated: 2026-02-24. Review status: criteria provided, single submitter. Criteria: Ambry Variant Classification Scheme 2023. Collection method: clinical testing. Allele origin: germline.
Comment: The c.26_29dupGGAG variant, located in coding exon 1 of the CDKN1B gene, results from a duplication of GGAG at nucleotide position 26, causing a translational frameshift with a predicted alternate stop codon (p.S10Rfs*4). The predicted stop codon occurs in the 5&rsquo; end of thegene. Premature termination codons in the 5&rsquo; end of a gene have been reported to escape nonsense-mediated mRNAdecay and/or lead to re-initiation (Rivas et al. Science. 2015 May 8;348(6235):666-9; Lindeboom et al. Nat Genet. 2016 Oct;48(10):1112-8; Rhee et al. Sci Rep. 2017 May 10;7(1):1653). Direct evidence for this variant is unavailable, however premature termination codons are typically deleterious in nature. This variant is considered to be rare based on population cohorts in the Genome Aggregation Database (gnomAD). Based on the majority of available evidence to date, this variant is likely to be pathogenic.

NM_004064.5(CDKN1B):c.26_29dup (p.Ser10fs)

Gene: CDKN1B (cyclin dependent kinase inhibitor 1B; plus strand). Cytogenetic location: 12p13.1.
Variant type: Duplication.
Coding change: c.26_29dup on transcript NM_004064.5 (MANE Select); coding-DNA positions 26 to 29, 4 bases duplicated (GGAG; older notation c.26_29dupGGAG).
Protein change: p.Ser10fs; shifts the reading frame from serine 10.
Molecular consequence: frameshift variant.
Genome position (GRCh38, 1-based): chr12:12,717,865-12,717,868, GGAG duplicated; duplicating any 4 consecutive bases within chr12:12,717,864-12,717,868 gives the same sequence; the c. name uses the placement nearest the transcript's 3' end. VCF-style (leftmost placement, unchanged base first): chr12-12717863-C-CGGGA. GRCh37 (hg19) VCF-style: chr12-12870797-C-CGGGA.
Other names: short protein forms S10fs.
Identifiers: ClinVar variation 4826642 (VCV004826642.1).
Genomic context (GRCh38, chr12:12,717,863, plus strand): 5'-AGTGCGAGAGAGGCGGTCGTGCAGACCCGGGAGAAAGATGTCAAACGTGCGAGTGTCTAA[C>CGGGA]GGGAGCCCTAGCCTGGAGCGGATGGACGCCAGGCAGGCGGAGCACCCCAAGCCCTCGGCC-3'